The following is an entry in ClinVar:

NM_003970.4(MYOM2):c.1688C>T (p.Thr563Met)

Gene: MYOM2 (myomesin 2; plus strand). Cytogenetic location: 8p23.3.
Variant type: single nucleotide variant.
Coding change: c.1688C>T on transcript NM_003970.4 (MANE Select); coding-DNA position 1688, C replaced by T.
Protein change: p.Thr563Met; replaces threonine 563 with methionine.
Molecular consequence: missense variant.
Genome position (GRCh38, 1-based): chr8:2,090,051, C>T. VCF-style: chr8-2090051-C-T. GRCh37 (hg19) VCF-style: chr8-2037874-C-T.
Other names: short protein forms T563M.
Identifiers: ClinVar variation 3037366 (VCV003037366.2), dbSNP rs61732774, ClinGen allele CA170454994.

ClinVar aggregate classification (germline): Likely benign (0 of 4 stars; one submission).

Conditions:
MYOM2-related disorder. Also called: MYOM2-related condition.

Allele frequency attached by ClinVar (database versions not stated): 1000 Genomes Project 0.00180; 1000 Genomes Project 30x 0.00187; TOPMed 0.00265; ExAC 0.00284; ESP Exome Variant Server 0.00300; gnomAD 0.00315; gnomAD exomes 0.00439.
gnomAD v4.1: 6,857 of 1,614,026 alleles (0.42%); highest among the groups gnomAD compares: Non-Finnish European, 0.51%; 21 homozygotes.

Submission:

PreventionGenetics, part of Exact Sciences
Classification: Likely benign for MYOM2-related condition. Last evaluated: 2022-02-10. Review status: no assertion criteria provided. Collection method: clinical testing. Allele origin: germline.
Comment: This variant is classified as likely benign based on ACMG/AMP sequence variant interpretation guidelines (Richards et al. 2015 PMID: 25741868, with internal and published modifications).